The following is an entry in ClinVar:

ClinVar aggregate classification (germline): Conflicting classifications of pathogenicity. Review status: criteria provided, conflicting classifications (1 of 4 stars). 3 submissions from 3 submitters: Uncertain significance (1); Likely benign (2). Last evaluated 2025-12-21.

Conditions:
Inborn genetic diseases. Identifiers: MedGen C0950123, MeSH D030342.
Charcot-Marie-Tooth disease type 2. Also called: Charcot-Marie-Tooth type 2. Identifiers: Orphanet 64746, MedGen C0270914, MONDO:0018993.

Allele frequency attached by ClinVar (database versions not stated): ExAC 0.00001; gnomAD exomes below 0.00001; TOPMed 0.00001; gnomAD 0.00002.
gnomAD v4.1: 7 of 1,612,084 alleles (0.00043%); highest among the groups gnomAD compares: Non-Finnish European, 0.00059%; no homozygotes.

Submissions (3):

Labcorp Genetics (formerly Invitae), Labcorp
Classification: Likely benign for Charcot-Marie-Tooth disease type 2. Last evaluated: 2025-12-21. Review status: criteria provided, single submitter. Criteria: Invitae Variant Classification Sherloc (09022015). Collection method: clinical testing. Allele origin: germline.

Ambry Genetics
Classification: Likely benign for Inborn genetic diseases. Last evaluated: 2019-07-11. Review status: criteria provided, single submitter. Criteria: Ambry Variant Classification Scheme 2023. Collection method: clinical testing. Allele origin: germline.

GeneDx
Classification: Uncertain significance. Last evaluated: 2016-06-09. Review status: criteria provided, single submitter. Criteria: GeneDx Variant Classification (06012015). Collection method: clinical testing. Allele origin: germline. Affected: yes.
Comment: The c.228 C>T variant has not been published as a pathogenic variant, nor has it been reported as a benign variant to our knowledge. It was not observed in approximately 6,500 individuals of European and African American ancestry in the NHLBI Exome Sequencing Project, indicating it is not a common benign variant in these populations. In silico analysis predicts that c.228 C>T may damage or destroy the natural splice acceptor site in intron 2, leading to abnormal splicing. However, in the absence of RNA/functional studies, the actual effect of this sequence change in this individual is unknown. Therefore, based on the currently available information, it is unclear whether this variant is a pathogenic variant or a rare benign variant.

NM_001122955.4(BSCL2):c.420C>T (p.Ser140=)

Genes: BSCL2 (BSCL2 lipid droplet biogenesis associated, seipin; minus strand), HNRNPUL2-BSCL2 (HNRNPUL2-BSCL2 readthrough (NMD candidate); minus strand). Cytogenetic location: 11q12.3.
Variant type: single nucleotide variant.
Coding change: c.420C>T on transcript NM_001122955.4 (MANE Select); coding-DNA position 420, C replaced by T.
Protein change: p.Ser140=; no amino-acid change (serine 140 retained).
Molecular consequence: synonymous variant. On other transcripts: non-coding transcript variant (1).
Genome position (GRCh38, 1-based): chr11:62,702,534, G>A on the plus strand (C>T on the coding strand, the complement: BSCL2 is on the minus strand). VCF-style: chr11-62702534-G-A. GRCh37 (hg19) VCF-style: chr11-62470006-G-A.
Other names: c.228C>T, p.Ser76= (NM_001130702.2, NM_032667.6); c.420C>T, p.Ser140= (NM_001386027.1, NM_001386028.1).
Identifiers: ClinVar variation 246596 (VCV000246596.13), dbSNP rs780093151, ClinGen allele CA6053577.